The following is an entry in ClinVar:

ClinVar aggregate classification (germline): Conflicting classifications of pathogenicity. Review status: criteria provided, conflicting classifications (1 of 4 stars). 10 submissions from 10 submitters: Likely pathogenic (1); Uncertain significance (6); Likely benign (2). 1 of the submissions does not count toward it. Last evaluated 2025-09-08.

Conditions:
Mucopolysaccharidosis, MPS-II (MPS2). Also called: IDS deficiency; Sulfoiduronate sulfatase deficiency; SIDS deficiency; Mucopolysaccharidosis with skin involvement; Mucopolysaccharidosis type 2; Attenuated MPS (subtype; formerly known as mild MPS II). Identifiers: Orphanet 580, Orphanet 79388, MedGen C0026705, MONDO:0010674, OMIM 309900.
Mucopolysaccharidosis, MPS-III-A (MPS3A). Also called: HEPARAN SULFATE SULFATASE DEFICIENCY; MUCOPOLYSACCHARIDOSIS, TYPE IIIA, ATTENUATED; Mucopolysaccharidosis, type IIIA; SANFILIPPO SYNDROME A; SULFAMIDASE DEFICIENCY; Mucopolysaccharidosis type IIIA (Sanfilippo A). Identifiers: Orphanet 581, Orphanet 79269, MedGen C0086647, MONDO:0009655, OMIM 252900.

Allele frequency attached by ClinVar (database versions not stated): TOPMed 0.00001; gnomAD exomes 0.00001.
gnomAD v4.1: 12 of 1,209,738 alleles (0.00099%); highest among the groups gnomAD compares: South Asian, 0.0035%; no homozygotes.

Submissions (11):

Labcorp Genetics (formerly Invitae), Labcorp
Classification: Uncertain significance for Mucopolysaccharidosis, MPS-II. Last evaluated: 2025-09-08. Review status: criteria provided, single submitter. Criteria: Invitae Variant Classification Sherloc (09022015). Collection method: clinical testing. Allele origin: germline.
Comment: This sequence change replaces glycine, which is neutral and non-polar, with serine, which is neutral and polar, at codon 312 of the IDS protein (p.Gly312Ser). This variant is not present in population databases (gnomAD no frequency). This missense change has been observed in individual(s) with clinical features of Hunter syndrome (PMID: 27848944). ClinVar contains an entry for this variant (Variation ID: 424167). Invitae Evidence Modeling of protein sequence and biophysical properties (such as structural, functional, and spatial information, amino acid conservation, physicochemical variation, residue mobility, and thermodynamic stability) indicates that this missense variant is expected to disrupt IDS protein function with a positive predictive value of 95%. This variant disrupts the p.Gly312 amino acid residue in IDS. Other variant(s) that disrupt this residue have been observed in individuals with IDS-related conditions (PMID: 22976768, 27896113), which suggests that this may be a clinically significant amino acid residue. In summary, the available evidence is currently insufficient to determine the role of this variant in disease. Therefore, it has been classified as a Variant of Uncertain Significance.

Centre de Génétique Humaine, Institut de Pathologie Et de Génétique
Classification: Likely benign for Mucopolysaccharidosis, MPS-II. Last evaluated: 2025-03-07. Review status: criteria provided, single submitter. Criteria: ACMG Guidelines, 2015. Collection method: clinical testing. Allele origin: maternal. Inheritance: X-linked inheritance. Affected: no. Observed: 1 hemizygote.
Comment: The variant affects a moderately conserved nucleotide (phyloP: 7.23 [-19.0, 10.9]) and a highly conserved amino acid that is part of the sulfatase domain. The physicochemical difference between Gly and Ser is small (Grantham dist: 56 [0-215]). There is 12 occurences (including 2 hemizygotes) in gnomAD v4.1.0 (mostly from european origin, prevalence: 0.001%). The in silico tools predict a deleterious effect (CADD: 23.8, REVEL: 0.923, PolyPhen2 probably damaging, SIFT: deleterious, MutationTaster(v2021): deleterious). One patient is reported with the same variant (PMID : 27848944,suppl. table 3) with a severe phenotype (compared with our patient): congenital multiple arthrogryposis, decreased fetal movements, clubfoot, congenital hip dislocation, multiple contractures, short stature, underweight, and inguinal hernia. The variant is reported on ClinVar as "conflicting classifications of pathogenicity" (VCV000424167.12). Two variants affecting the same amino acid have been reported as LP without much metabolic investigation results: 1. c.934G > T p.(Gly312Cys) is reported in 2 patients with very low/absent IDS enzyme activity (PMID: 22976768, suppl. data 5) but no MPS quantification in the urine is available and no phenotypic description is provided. The variant is reported on ClinVar (VCV003255885.2) as LP with no more evidence than the ACMG criteria (i.e. no metabolic investigations). 2. c.935G > A (p.Gly312Asp) is reported in one patient with a moderate/attenuated form of MPS2 (PMID : 27896113). No IDS enzyme activity nor MPS quantification in the urine is reported. The variant is reported on ClinVar (VCV000221213.3) as LP with no more evidence than the ACMG criteria (i.e. no metabolic investigations). Met ACMG criteria: PS3 (caveat: pseudodeficiency exists), PM1, PM5 (can be discussed since the evidences are limited to ACMG criteria for the two other variants affecting the same aa, and (nearly) no functionnal testing has been performed), PP3, BS2

Laboratory of Diagnosis and Therapy of Lysosomal Disorders, University of Padova
Classification: Likely pathogenic for Mucopolysaccharidosis, MPS-II. Last evaluated: 2024-06-07. Review status: criteria provided, single submitter. Criteria: ACMG Guidelines, 2015. Collection method: literature only. Allele origin: germline. Affected: yes. Observed: 1 variant allele.
Comment: Prevalence of the variant significantly increased in affected individuals compared with controls (PS4_Supporting), Absent from controls (or at low frequency) in gnomAD database (PM2_Moderate), Missense variant in a gene with a low rate of benign missense variation (PP2_Supporting), Multiple lines of computational evidence support a deleterious effect (PP3_Supporting), Patient’s phenotype or family history highly specific for the disease (PP4_Strong)

Classification method: ACMG Guidelines [PMID:25741868] with modifications

Revvity Omics, Revvity
Classification: Uncertain significance for Mucopolysaccharidosis, MPS-II. Last evaluated: 2024-04-18. Review status: criteria provided, single submitter. Criteria: ACMG Guidelines, 2015. Collection method: clinical testing. Allele origin: germline.

Genomic Medicine Center of Excellence, King Faisal Specialist Hospital and Research Centre
Classification: Likely benign for Mucopolysaccharidosis, MPS-II. Last evaluated: 2024-03-17. Review status: criteria provided, single submitter. Criteria: ACMG Guidelines, 2015. Collection method: research. Allele origin: germline.

Women's Health and Genetics/Laboratory Corporation of America, LabCorp
Classification: Uncertain significance. Last evaluated: 2023-10-10. Review status: criteria provided, single submitter. Criteria: LabCorp Variant Classification Summary - May 2015. Collection method: clinical testing. Allele origin: germline.
Comment: Variant summary: IDS c.934G>A (p.Gly312Ser) results in a non-conservative amino acid change located in the Sulfatase, N-terminal domain (IPR000917) of the encoded protein sequence. Five of five in-silico tools predict a damaging effect of the variant on protein function. The variant was absent in 183438 control chromosomes (gnomAD). The available data on variant occurrences in the general population are insufficient to allow any conclusion about variant significance. c.934G>A has been reported in the literature in a sample suspected of Mucopolysaccharidosis Type II from clinical exome sequencing cases (Truijillano_2017). This report however, does not provide unequivocal conclusions about association of the variant with Mucopolysaccharidosis Type II (Hunter Syndrome). To our knowledge, no experimental evidence demonstrating an impact on protein function has been reported. The following publication have been ascertained in the context of this evaluation (PMID: 27848944). Four submitters have cited clinical-significance assessments for this variant to ClinVar after 2014. All submitters classified the variant as uncertain significance. Based on the evidence outlined above, the variant was classified as uncertain significance.

Institute of Human Genetics, Clinical Exome/Genome Diagnostics Group, University Hospital Bonn
Classification: Uncertain significance for Mucopolysaccharidosis, MPS-II. Last evaluated: 2023-08-02. Review status: criteria provided, single submitter. Criteria: ACMG Guidelines, 2015. Collection method: clinical testing. Allele origin: germline.

Genome-Nilou Lab
Classification: Uncertain significance for Mucopolysaccharidosis, MPS-II. Last evaluated: 2021-09-05. Review status: criteria provided, single submitter. Criteria: ACMG Guidelines, 2015. Collection method: clinical testing. Allele origin: germline. Affected: no.

GeneDx
Classification: Uncertain significance. Last evaluated: 2018-03-08. Review status: criteria provided, single submitter. Criteria: GeneDx Variant Classification (06012015). Collection method: clinical testing. Allele origin: germline. Affected: yes.
Comment: The G312S variant in the IDS gene has not been reported previously as a pathogenic variant, nor as a benign variant, to our knowledge. The G312S variant is not observed in large population cohorts (Lek et al., 2016; 1000 Genomes Consortium et al., 2015; Exome Variant Server). The G312S variant is a non-conservative amino acid substitution, which is likely to impact secondary protein structure as these residues differ in polarity, charge, size and/or other properties. This substitution occurs at a position that is conserved across species. In silico analysis predicts this variant is probably damaging to the protein structure/function. Missense variants in the same residue (G312C, G312D) have been reported previously, in individuals with mucopolysaccharidosis II (Pollard et al., 2013; Amartino et al., 2014). Additionally, missense variants in nearby residues (D308Y, D308N, D308E, T309A, R313C, L314P, L314H) have also been reported in the Human Gene Mutation Database in association with a mucopolysaccharidosis II (Stenson et al., 2014). These variants support the functional importance of this region of the protein. We interpret G312S as a variant of uncertain significance.

Natera, Inc.
Classification: Uncertain significance for Mucopolysaccharidosis type IIIA. Last evaluated: 2021-02-03. Review status: no assertion criteria provided. Collection method: clinical testing. Allele origin: germline. Not counted in ClinVar's aggregate classification.

Dr. Peter K. Rogan Lab, Western University
No classification provided (evidence only). Condition: Nonpapillary renal cell carcinoma. Review status: no classification provided. Collection method: in vitro. Allele origin: not applicable. Functional consequence: retained intron. Not counted in ClinVar's aggregate classification.

Literature cited by the submitters: PubMed 27848944 (cited by 4 submitters); PubMed 22976768 (cited by Labcorp Genetics (formerly Invitae), Labcorp and Centre de Génétique Humaine, Institut de Pathologie Et de Génétique); PubMed 27896113 (cited by Labcorp Genetics (formerly Invitae), Labcorp and Centre de Génétique Humaine, Institut de Pathologie Et de Génétique).

NM_000202.8(IDS):c.934G>A (p.Gly312Ser)

Genes: IDS (iduronate 2-sulfatase; minus strand), LOC106050102 (IDS recombination region; plus strand). Cytogenetic location: Xq28.
Variant type: single nucleotide variant.
Coding change: c.934G>A on transcript NM_000202.8 (MANE Select); coding-DNA position 934, G replaced by A.
Protein change: p.Gly312Ser; replaces glycine 312 with serine.
Molecular consequence: missense variant. On other transcripts: non-coding transcript variant (1).
Genome position (GRCh38, 1-based): chrX:149,490,386, C>T on the plus strand (G>A on the coding strand, the complement: IDS is on the minus strand). VCF-style: chrX-149490386-C-T. GRCh37 (hg19) VCF-style: chrX-148571917-C-T.
Other names: c.664G>A, p.Gly222Ser (NM_001166550.4); c.934G>A, p.Gly312Ser (NM_006123.5); short protein forms G312S, G222S.
Identifiers: ClinVar variation 424167 (VCV000424167.17), dbSNP rs903259179, ClinGen allele CA16621219.